The following is an entry in ClinVar:

ClinVar aggregate classification (germline): Uncertain significance (1 of 4 stars; one submission).

Conditions:
Cardiovascular phenotype. Identifiers: MedGen CN230736.
Hereditary cancer-predisposing syndrome. Also called: Neoplastic Syndromes, Hereditary; Tumor predisposition; Hereditary Cancer Syndrome; Hereditary neoplastic syndrome. Identifiers: Orphanet 140162, MedGen C0027672, MeSH D009386, MONDO:0015356.

Submission:

Ambry Genetics
Classification: Uncertain significance for Cardiovascular phenotype; Hereditary cancer-predisposing syndrome. Last evaluated: 2025-11-24. Review status: criteria provided, single submitter. Criteria: Ambry Variant Classification Scheme 2023. Collection method: clinical testing. Allele origin: germline.
Comment: The p.M240K variant (also known as c.719T>A), located in coding exon 8 of the LZTR1 gene, results from a T to A substitution at nucleotide position 719. The methionine at codon 240 is replaced by lysine, an amino acid with similar properties. This amino acid position is conserved. In addition, this alteration is predicted to be deleterious by in silico analysis. Based on the available evidence, the clinical significance of this variant remains unclear.

NM_006767.4(LZTR1):c.719T>A (p.Met240Lys)

Gene: LZTR1 (leucine zipper like post translational regulator 1; plus strand). Cytogenetic location: 22q11.21.
Variant type: single nucleotide variant.
Coding change: c.719T>A on transcript NM_006767.4 (MANE Select); coding-DNA position 719, T replaced by A.
Protein change: p.Met240Lys; replaces methionine 240 with lysine.
Molecular consequence: missense variant.
Genome position (GRCh38, 1-based): chr22:20,990,453, T>A. VCF-style: chr22-20990453-T-A. GRCh37 (hg19) VCF-style: chr22-21344742-T-A.
Other names: short protein forms M240K.
Identifiers: ClinVar variation 4615670 (VCV004615670.1).